The following is an entry in ClinVar:

ClinVar aggregate classification (germline): Uncertain significance. Review status: criteria provided, multiple submitters, no conflicts (2 of 4 stars). 4 submissions from 4 submitters: Uncertain significance (4). Last evaluated 2024-03-08.

Conditions:
Hereditary cancer-predisposing syndrome. Also called: Hereditary neoplastic syndrome; Tumor predisposition; Neoplastic Syndromes, Hereditary; Hereditary Cancer Syndrome. Identifiers: Orphanet 140162, MedGen C0027672, MeSH D009386, MONDO:0015356.
Familial thoracic aortic aneurysm and aortic dissection (TAAD). Also called: Thoracic aortic aneurysms and dissections. Identifiers: Orphanet 91387, MedGen C4707243, MONDO:0019625.
Juvenile polyposis syndrome (JPS). Identifiers: Orphanet 2929, MedGen C0345893, MONDO:0017380, OMIM 174900.
Juvenile polyposis/hereditary hemorrhagic telangiectasia syndrome (JPHT). Also called: Juvenile Polyposis Syndrome / Hereditary Hemorrhagic Telangiectasia (JPS/HHT); JP/HHT SYNDROME; JUVENILE POLYPOSIS WITH HEREDITARY HEMORRHAGIC TELANGIECTASIA; POLYPOSIS, GENERALIZED JUVENILE, WITH PULMONARY ARTERIOVENOUS MALFORMATION; TELANGIECTASIA, HEREDITARY HEMORRHAGIC, WITH JUVENILE POLYPOSIS COLI. Identifiers: Orphanet 2929, MedGen C1832942, MONDO:0008278, OMIM 175050.

Allele frequency attached by ClinVar (database versions not stated): ExAC 0.00001; gnomAD exomes 0.00001.
gnomAD v4.1: 4 of 1,614,040 alleles (0.00025%); highest among the groups gnomAD compares: Non-Finnish European, 0.00034%; no homozygotes.

Submissions (4):

Baylor Genetics
Classification: Uncertain significance for Juvenile polyposis/hereditary hemorrhagic telangiectasia syndrome. Last evaluated: 2024-03-08. Review status: criteria provided, single submitter. Criteria: ACMG Guidelines, 2015. Collection method: clinical testing. Allele origin: unknown.

Color Diagnostics, LLC DBA Color Health
Classification: Uncertain significance for Hereditary cancer-predisposing syndrome. Last evaluated: 2023-12-05. Review status: criteria provided, single submitter. Criteria: ACMG Guidelines, 2015. Collection method: clinical testing. Allele origin: germline.
Comment: This missense variant replaces proline with arginine at codon 215 of the SMAD4 protein. Computational prediction suggests that this variant may not impact protein structure and function (internally defined REVEL score threshold <= 0.5, PMID: 27666373). To our knowledge, functional studies have not been reported for this variant. This variant has not been reported in individuals affected with SMAD4-related disorders in the literature. This variant has been identified in 2/251468 chromosomes in the general population by the Genome Aggregation Database (gnomAD). The available evidence is insufficient to determine the role of this variant in disease conclusively. Therefore, this variant is classified as a Variant of Uncertain Significance.

Ambry Genetics
Classification: Uncertain significance for Hereditary cancer-predisposing syndrome; Familial thoracic aortic aneurysm and aortic dissection. Last evaluated: 2023-11-15. Review status: criteria provided, single submitter. Criteria: Ambry Variant Classification Scheme 2023. Collection method: clinical testing. Allele origin: germline.
Comment: The p.P215R variant (also known as c.644C>G), located in coding exon 4 of the SMAD4 gene, results from a C to G substitution at nucleotide position 644. The proline at codon 215 is replaced by arginine, an amino acid with dissimilar properties. This amino acid position is highly conserved in available vertebrate species. In addition, this alteration is predicted to be deleterious by in silico analysis. Since supporting evidence is limited at this time, the clinical significance of this alteration remains unclear.

Labcorp Genetics (formerly Invitae), Labcorp
Classification: Uncertain significance for Juvenile polyposis syndrome. Last evaluated: 2022-07-11. Review status: criteria provided, single submitter. Criteria: Invitae Variant Classification Sherloc (09022015). Collection method: clinical testing. Allele origin: germline.
Comment: In summary, the available evidence is currently insufficient to determine the role of this variant in disease. Therefore, it has been classified as a Variant of Uncertain Significance. Advanced modeling of protein sequence and biophysical properties (such as structural, functional, and spatial information, amino acid conservation, physicochemical variation, residue mobility, and thermodynamic stability) performed at Invitae indicates that this missense variant is not expected to disrupt SMAD4 protein function. ClinVar contains an entry for this variant (Variation ID: 492485). This variant has not been reported in the literature in individuals affected with SMAD4-related conditions. This variant is present in population databases (rs777495692, gnomAD 0.0009%). This sequence change replaces proline, which is neutral and non-polar, with arginine, which is basic and polar, at codon 215 of the SMAD4 protein (p.Pro215Arg).

NM_005359.6(SMAD4):c.644C>G (p.Pro215Arg)

Gene: SMAD4 (SMAD family member 4; plus strand). Cytogenetic location: 18q21.2.
Variant type: single nucleotide variant.
Coding change: c.644C>G on transcript NM_005359.6 (MANE Select); coding-DNA position 644, C replaced by G.
Protein change: p.Pro215Arg; replaces proline 215 with arginine.
Molecular consequence: missense variant.
Genome position (GRCh38, 1-based): chr18:51,054,970, C>G. VCF-style: chr18-51054970-C-G. GRCh37 (hg19) VCF-style: chr18-48581340-C-G.
Other names: short protein forms P215R.
Identifiers: ClinVar variation 492485 (VCV000492485.15), dbSNP rs777495692, ClinGen allele CA8965841.